The following is an entry in ClinVar:

ClinVar aggregate classification (germline): Pathogenic. Review status: reviewed by expert panel (3 of 4 stars). 5 submissions from 5 submitters: Pathogenic (1). 4 of the submissions do not count toward it. Last evaluated 2016-09-08.

Conditions:
Hereditary breast ovarian cancer syndrome. Also called: Hereditary breast and ovarian cancer syndrome; Hereditary breast and ovarian cancer; Hereditary breast and ovarian cancer syndrome (HBOC); Breast and ovarian cancer; Hereditary breast and/or ovarian cancer syndrome; BRCA1- and BRCA2-Associated Hereditary Breast and Ovarian Cancer. Identifiers: Orphanet 145, MedGen C0677776, MeSH D061325, MONDO:0003582. Disease mechanism: loss of function.
Breast-ovarian cancer, familial, susceptibility to, 2 (BROVCA2). Also called: BRCA2 Hereditary Breast and Ovarian Cancer. Identifiers: Orphanet 145, MedGen C2675520, MONDO:0012933, OMIM 612555. Disease mechanism: loss of function.

Submissions (5):

Evidence-based Network for the Interpretation of Germline Mutant Alleles (ENIGMA)
Classification: Pathogenic for Breast-ovarian cancer, familial, susceptibility to, 2. Last evaluated: 2016-09-08. Review status: reviewed by expert panel. Criteria: ENIGMA BRCA1/2 Classification Criteria (2015). Collection method: curation. Allele origin: germline.
Comment: Variant allele predicted to encode a truncated non-functional protein.

Women's Health and Genetics/Laboratory Corporation of America, LabCorp
Classification: Pathogenic for Hereditary breast ovarian cancer syndrome. Last evaluated: 2023-05-04. Review status: criteria provided, single submitter. Criteria: LabCorp Variant Classification Summary - May 2015. Collection method: clinical testing. Allele origin: germline. Not counted in ClinVar's aggregate classification.
Comment: Variant summary: BRCA2 c.9507delT (p.Ile3169MetfsX48) results in a premature termination codon, predicted to cause a truncation of the encoded protein or absence of the protein due to nonsense mediated decay, which are commonly known mechanisms for disease. The variant was absent in 251302 control chromosomes. c.9507delT has been reported in the literature in individuals affected with Hereditary Breast And Ovarian Cancer Syndrome (e.g., Fries_2002, Rebbeck_2018). These data indicate that the variant is likely to be associated with disease. To our knowledge, no experimental evidence demonstrating an impact on protein function has been reported. The following publications have been ascertained in the context of this evaluation (PMID: 11873550, 29446198). Three ClinVar submitters (evaluation after 2014) have cited the variant, and all laboratories classified the variant as pathogenic. Based on the evidence outlined above, the variant was classified as pathogenic.

Clinical Genetics and Genomics, Karolinska University Hospital
Classification: Pathogenic. Last evaluated: 2016-09-30. Review status: criteria provided, single submitter. Criteria: ACMG Guidelines, 2015. Collection method: clinical testing. Allele origin: germline. Affected: yes. Observed: 1 variant allele. Not counted in ClinVar's aggregate classification.

Consortium of Investigators of Modifiers of BRCA1/2 (CIMBA), c/o University of Cambridge
Classification: Pathogenic for Breast-ovarian cancer, familial, susceptibility to, 2. Last evaluated: 2015-10-02. Review status: criteria provided, single submitter. Criteria: CIMBA Mutation Classification guidelines May 2016. Collection method: clinical testing. Allele origin: germline. Not counted in ClinVar's aggregate classification.

Breast Cancer Information Core (BIC) (BRCA2)
Classification: Pathogenic for Breast-ovarian cancer, familial 2. Last evaluated: 1998-06-22. Review status: no assertion criteria provided. Collection method: clinical testing. Allele origin: germline. Affected: yes. Observed: 1 variant allele. Not counted in ClinVar's aggregate classification.

Literature cited by the submitters: PubMed 29446198 (cited by Women's Health and Genetics/Laboratory Corporation of America, LabCorp); PubMed 11873550 (cited by Women's Health and Genetics/Laboratory Corporation of America, LabCorp).

NM_000059.4(BRCA2):c.9507del (p.Ile3169fs)

Gene: BRCA2 (BRCA2 DNA repair associated; plus strand). Cytogenetic location: 13q13.1.
Variant type: Deletion.
Coding change: c.9507del on transcript NM_000059.4 (MANE Select); coding-DNA position 9507, one base deleted (T; older notation c.9507delT).
Protein change: p.Ile3169fs; shifts the reading frame from isoleucine 3169.
Molecular consequence: frameshift variant.
Genome position (GRCh38, 1-based): chr13:32,396,903, T deleted; the last of 2 consecutive T bases (chr13:32,396,902-32,396,903); deleting either gives the same sequence. VCF-style (leftmost placement, unchanged base first): chr13-32396901-AT-A. GRCh37 (hg19) VCF-style: chr13-32971038-AT-A.
Other names: 9735delT; c.9507delT (NM_000059.3).
Identifiers: ClinVar variation 52860 (VCV000052860.7), dbSNP rs80359767, ClinGen allele CA026192.